The following is an entry in ClinVar:

ClinVar aggregate classification (germline): Uncertain significance (1 of 4 stars; one submission).

gnomAD v4.1: 8 of 1,601,496 alleles (0.0005%); highest among the groups gnomAD compares: East Asian, 0.0067%; no homozygotes.

Submission:

Labcorp Genetics (formerly Invitae), Labcorp
Classification: Uncertain significance. Last evaluated: 2025-04-01. Review status: criteria provided, single submitter. Criteria: Invitae Variant Classification Sherloc (09022015). Collection method: clinical testing. Allele origin: germline.
Comment: This sequence change replaces valine, which is neutral and non-polar, with leucine, which is neutral and non-polar, at codon 33 of the ZIC1 protein (p.Val33Leu). This variant is present in population databases (rs772678194, gnomAD 0.02%). This variant has not been reported in the literature in individuals affected with ZIC1-related conditions. An algorithm developed to predict the effect of missense changes on protein structure and function (PolyPhen-2) suggests that this variant is likely to be tolerated. In summary, the available evidence is currently insufficient to determine the role of this variant in disease. Therefore, it has been classified as a Variant of Uncertain Significance.

NM_003412.4(ZIC1):c.97G>T (p.Val33Leu)

Gene: ZIC1 (Zic family zinc finger 1; plus strand). Cytogenetic location: 3q24.
Variant type: single nucleotide variant.
Coding change: c.97G>T on transcript NM_003412.4 (MANE Select); coding-DNA position 97, G replaced by T.
Protein change: p.Val33Leu; replaces valine 33 with leucine.
Molecular consequence: missense variant.
Genome position (GRCh38, 1-based): chr3:147,410,209, G>T. VCF-style: chr3-147410209-G-T. GRCh37 (hg19) VCF-style: chr3-147127996-G-T.
Other names: short protein forms V33L.
Identifiers: ClinVar variation 3608862 (VCV003608862.2).
Genomic context (GRCh38, chr3:147,410,209, plus strand): 5'-GGCGTGACCACCTTTGGCGCGTCCCGCCACCACTCCGCGGGCGACGTGGCCGAACGAGAC[G>T]TGGGCCTGGGCATCAACCCGTTCGCCGACGGCATGGGCGCCTTCAAGCTCAACCCCAGTT-3'
Protein context (NP_003403.2, residues 23-43): HSAGDVAERD[Val33Leu]GLGINPFADG